The following is an entry in ClinVar:

NM_001267550.2(TTN):c.67363G>C (p.Val22455Leu)

Genes: TTN (titin; minus strand), TTN-AS1 (TTN antisense RNA 1; plus strand). Cytogenetic location: 2q31.2.
Variant type: single nucleotide variant.
Coding change: c.67363G>C on transcript NM_001267550.2 (MANE Select); coding-DNA position 67363, G replaced by C.
Protein change: p.Val22455Leu; replaces valine 22455 with leucine.
Molecular consequence: missense variant.
Genome position (GRCh38, 1-based): chr2:178,579,834, C>G on the plus strand (G>C on the coding strand, the complement: TTN is on the minus strand). VCF-style: chr2-178579834-C-G. GRCh37 (hg19) VCF-style: chr2-179444561-C-G.
Other names: c.62440G>C, p.Val20814Leu (NM_001256850.1); c.40168G>C, p.Val13390Leu (NM_003319.4); c.59659G>C, p.Val19887Leu (NM_133378.4); c.40543G>C, p.Val13515Leu (NM_133432.3); c.40744G>C, p.Val13582Leu (NM_133437.4); short protein forms V13515L, V22455L, V13582L, V20814L, V13390L, V19887L.
Identifiers: ClinVar variation 1737060 (VCV001737060.2), dbSNP rs759848349, ClinGen allele CA60957176.

ClinVar aggregate classification (germline): Uncertain significance (1 of 4 stars; one submission).

Conditions:
Cardiovascular phenotype. Identifiers: MedGen CN230736.

gnomAD v4.1: 5 of 1,613,086 alleles (0.00031%); highest among the groups gnomAD compares: South Asian, 0.0011%; no homozygotes.

Submission:

Ambry Genetics
Classification: Uncertain significance for Cardiovascular phenotype. Last evaluated: 2018-10-31. Review status: criteria provided, single submitter. Criteria: Ambry Variant Classification Scheme 2023. Collection method: clinical testing. Allele origin: germline.
Comment: The p.V13390L variant (also known as c.40168G>C), located in coding exon 146 of the TTN gene, results from a G to C substitution at nucleotide position 40168. The valine at codon 13390 is replaced by leucine, an amino acid with highly similar properties. This amino acid position is highly conserved in available vertebrate species. In addition, this alteration is predicted to be tolerated by in silico analysis. Since supporting evidence is limited at this time, the clinical significance of this alteration remains unclear.